The following is an entry in ClinVar:

NM_147191.1(MMP21):c.1163G>A (p.Gly388Glu)

Gene: MMP21 (matrix metallopeptidase 21; minus strand). Cytogenetic location: 10q26.2.
Variant type: single nucleotide variant.
Coding change: c.1163G>A on transcript NM_147191.1 (MANE Select); coding-DNA position 1163, G replaced by A.
Protein change: p.Gly388Glu; replaces glycine 388 with glutamic acid.
Molecular consequence: missense variant.
Genome position (GRCh38, 1-based): chr10:125,770,408, C>T on the plus strand (G>A on the coding strand, the complement: MMP21 is on the minus strand). VCF-style: chr10-125770408-C-T. GRCh37 (hg19) VCF-style: chr10-127458977-C-T.
Other names: short protein forms G388E.
Identifiers: ClinVar variation 4846856 (VCV004846856.1).

ClinVar aggregate classification (germline): Uncertain significance (1 of 4 stars; one submission).

Conditions:
Heterotaxy, visceral, 7, autosomal (HTX7). Identifiers: Orphanet 450, MedGen C4225217, MONDO:0014762, OMIM 616749.

Submission:

Laboratorio de Genetica e Diagnostico Molecular, Hospital Israelita Albert Einstein
Classification: Uncertain significance for Heterotaxy, visceral, 7, autosomal. Last evaluated: 2025-07-16. Review status: criteria provided, single submitter. Criteria: ACMG Guidelines, 2015. Collection method: clinical testing. Allele origin: germline. Affected: yes.
Comment: ACMG classification criteria: PM2 supporting, PM3 moderate, BP4 supporting